The following is an entry in ClinVar:

ClinVar aggregate classification (germline): Uncertain significance (1 of 4 stars; one submission).

Allele frequency attached by ClinVar (database versions not stated): gnomAD exomes 0.00001; ExAC 0.00004; gnomAD 0.00007; TOPMed 0.00009; ESP Exome Variant Server 0.00015.
gnomAD v4.1: 23 of 1,613,166 alleles (0.0014%); highest among the groups gnomAD compares: African/African-American, 0.029%; no homozygotes.

Submission:

Labcorp Genetics (formerly Invitae), Labcorp
Classification: Uncertain significance. Last evaluated: 2023-07-21. Review status: criteria provided, single submitter. Criteria: Invitae Variant Classification Sherloc (09022015). Collection method: clinical testing. Allele origin: germline.
Comment: In summary, the available evidence is currently insufficient to determine the role of this variant in disease. Therefore, it has been classified as a Variant of Uncertain Significance. Variants that disrupt the consensus splice site are a relatively common cause of aberrant splicing (PMID: 17576681, 9536098). Algorithms developed to predict the effect of sequence changes on RNA splicing suggest that this variant is not likely to affect RNA splicing. ClinVar contains an entry for this variant (Variation ID: 2197558). This variant has not been reported in the literature in individuals affected with CIT-related conditions. This variant is present in population databases (rs375190396, gnomAD 0.04%). This sequence change falls in intron 26 of the CIT gene. It does not directly change the encoded amino acid sequence of the CIT protein. It affects a nucleotide within the consensus splice site.

Literature cited by the submitters: PubMed 17576681; PubMed 9536098.

NM_001206999.2(CIT):c.3350+3G>A

Gene: CIT (citron rho-interacting serine/threonine kinase; minus strand). Cytogenetic location: 12q24.23.
Variant type: single nucleotide variant.
Coding change: c.3350+3G>A on transcript NM_001206999.2 (MANE Select); 3 bases into the intron after coding-DNA position 3350, G replaced by A.
Molecular consequence: intron variant.
Genome position (GRCh38, 1-based): chr12:119,734,161, C>T on the plus strand (G>A on the coding strand, the complement: CIT is on the minus strand). VCF-style: chr12-119734161-C-T. GRCh37 (hg19) VCF-style: chr12-120171966-C-T.
Other names: c.3224+3G>A (NM_007174.3).
Identifiers: ClinVar variation 2197558 (VCV002197558.4), dbSNP rs375190396, ClinGen allele CA6821545.